The following is an entry in ClinVar:

ClinVar aggregate classification (germline): Conflicting classifications of pathogenicity. Review status: criteria provided, conflicting classifications (1 of 4 stars). 4 submissions from 4 submitters: Likely pathogenic (1); Uncertain significance (3). Last evaluated 2022-07-19.

Conditions:
Chédiak-Higashi syndrome (CHS). Also called: Chediak-Higashi Syndrome. Identifiers: Orphanet 167, MedGen C0007965, MONDO:0008963, OMIM 214500.

Allele frequency attached by ClinVar (database versions not stated): gnomAD 0.00001; gnomAD exomes 0.00001 and 0.00004; TOPMed 0.00001; ExAC 0.00002.
gnomAD v4.1: 21 of 1,612,800 alleles (0.0013%); highest among the groups gnomAD compares: South Asian, 0.0077%; no homozygotes.

Submissions (4):

Blueprint Genetics
Classification: Uncertain significance. Last evaluated: 2022-07-19. Review status: criteria provided, single submitter. Criteria: ACMG Guidelines, 2015. Collection method: clinical testing. Allele origin: germline.

Labcorp Genetics (formerly Invitae), Labcorp
Classification: Uncertain significance for Chédiak-Higashi syndrome. Last evaluated: 2022-02-05. Review status: criteria provided, single submitter. Criteria: Invitae Variant Classification Sherloc (09022015). Collection method: clinical testing. Allele origin: germline.
Comment: This sequence change falls in intron 28 of the LYST gene. It does not directly change the encoded amino acid sequence of the LYST protein. It affects a nucleotide within the consensus splice site. This variant is present in population databases (rs760108842, gnomAD 0.02%). This variant has not been reported in the literature in individuals affected with LYST-related conditions. ClinVar contains an entry for this variant (Variation ID: 489282). Variants that disrupt the consensus splice site are a relatively common cause of aberrant splicing (PMID: 17576681, 9536098). Algorithms developed to predict the effect of sequence changes on RNA splicing suggest that this variant may create or strengthen a splice site. In summary, the available evidence is currently insufficient to determine the role of this variant in disease. Therefore, it has been classified as a Variant of Uncertain Significance.

GeneDx
Classification: Uncertain significance. Last evaluated: 2017-12-28. Review status: criteria provided, single submitter. Criteria: GeneDx Variant Classification (06012015). Collection method: clinical testing. Allele origin: germline. Affected: yes.
Comment: The c.7780+2C>T variant in the LYST gene has not been reported previously as a pathogenic variant nor as a benign variant, to our knowledge. This splice site variant is predicted to cause abnormal gene splicing resulting in an in-frame protein product with an abnormal message. However, in the absence of RNA/functional studies, the actual effect of c.7780+2C>T in this individual is unknown. The c.7780+2C>T variant is observed in 6/30782 (0.02%) alleles from individuals of South Asian background in large population cohorts (Lek et al., 2016). We interpret c.7780+2C>T as a variant of uncertain significance.

Eurofins Ntd Llc (ga)
Classification: Likely pathogenic. Last evaluated: 2016-12-08. Review status: criteria provided, single submitter. Criteria: EGL Classification Definitions 2015. Collection method: clinical testing. Allele origin: germline. Observed: 1 variant allele, 1 heterozygote.

Literature cited by the submitters: PubMed 17576681 (cited by Labcorp Genetics (formerly Invitae), Labcorp); PubMed 9536098 (cited by Labcorp Genetics (formerly Invitae), Labcorp).

NM_000081.4(LYST):c.7780+2C>T

Gene: LYST (lysosomal trafficking regulator; minus strand). Cytogenetic location: 1q42.3.
Variant type: single nucleotide variant.
Coding change: c.7780+2C>T on transcript NM_000081.4 (MANE Select); the canonical splice donor site of the intron after coding-DNA position 7780, C replaced by T.
Molecular consequence: splice donor variant.
Genome position (GRCh38, 1-based): chr1:235,751,208, G>A on the plus strand (C>T on the coding strand, the complement: LYST is on the minus strand). VCF-style: chr1-235751208-G-A. GRCh37 (hg19) VCF-style: chr1-235914508-G-A.
Other names: c.7780+2C>T (NM_001301365.1).
Identifiers: ClinVar variation 489282 (VCV000489282.10), dbSNP rs760108842, ClinGen allele CA1466052.
Genomic context (GRCh38, chr1:235,751,208, plus strand): 5'-GAACATAGGAAAGTCAAGCTAGCCTCAATTTATGGTTATTAAAATATGATTTCAATACTC[G>A]CCAGCAATGCTTTTCCGCTTTTGAACTACTGCATGATGGGGAGCAGAAGGTGACTGGAGT-3'